The following is an entry in ClinVar:

ClinVar aggregate classification (germline): Uncertain significance. Review status: criteria provided, multiple submitters, no conflicts (2 of 4 stars). 6 submissions from 6 submitters: Uncertain significance (5). 1 of the submissions does not count toward it. Last evaluated 2025-03-04.

Conditions:
Autosomal recessive Alport syndrome (ATS2). Also called: COL4A4 Alport Syndrome and Thin Basement Membrane Nephropathy; ALPORT SYNDROME 2, AUTOSOMAL RECESSIVE; Alport syndrome type 2; COL4A3-Related Nephropathy. Identifiers: Orphanet 63, Orphanet 88919, MedGen C4746745, MONDO:0008762, OMIM 203780.
Benign familial hematuria. Also called: thin basement membrane disease. Identifiers: MedGen C0241908, MONDO:0957317.
Autosomal dominant Alport syndrome (ATS3A). Also called: Alport syndrome dominant type; Renal failure and sensorineural hearing loss; ALPORT SYNDROME 3A, AUTOSOMAL DOMINANT. Identifiers: Orphanet 63, Orphanet 88918, MedGen C5882663, MONDO:0007086, OMIM 104200.

Allele frequency attached by ClinVar (database versions not stated): gnomAD exomes 0.00003 and 0.00004; ExAC 0.00005; gnomAD 0.00006; TOPMed 0.00002.
gnomAD v4.1: 54 of 1,614,020 alleles (0.0033%); highest among the groups gnomAD compares: Non-Finnish European, 0.0041%; no homozygotes.

Submissions (6):

GeneDx
Classification: Uncertain significance. Last evaluated: 2025-03-04. Review status: criteria provided, single submitter. Criteria: GeneDx Variant Classification Process June 2021. Collection method: clinical testing. Allele origin: germline. Affected: yes.
Comment: Occurs in the triple helical domain at the Y position in the canonical Gly-X-Y repeat; although this variant may have an effect on normal protein folding and function, missense substitution at the Y position is not a common mechanism of disease; In silico analysis supports that this missense variant has a deleterious effect on protein structure/function; This variant is associated with the following publications: (PMID: 29854973, 35419377)

Mendelics
Classification: Uncertain significance. Last evaluated: 2022-05-04. Review status: criteria provided, single submitter. Criteria: Mendelics Assertion Criteria 2019. Collection method: clinical testing. Allele origin: germline.

CENTOGENE GmbH and LLC - Guiding Precision Medicine
Classification: Uncertain significance for Hematuria, benign familial, 1. Last evaluated: 2022-02-21. Review status: criteria provided, single submitter. Criteria: ACMG Guidelines, 2015. Collection method: clinical testing. Allele origin: germline. Affected: yes.

Fulgent Genetics
Classification: Uncertain significance for Hematuria, benign familial, 1; Autosomal recessive Alport syndrome. Last evaluated: 2021-11-08. Review status: criteria provided, single submitter. Criteria: ACMG Guidelines, 2015. Collection method: clinical testing. Allele origin: unknown.

Labcorp Genetics (formerly Invitae), Labcorp
Classification: Uncertain significance. Last evaluated: 2021-08-24. Review status: criteria provided, single submitter. Criteria: Invitae Variant Classification Sherloc (09022015). Collection method: clinical testing. Allele origin: germline.
Comment: This sequence change replaces glutamic acid with glycine at codon 919 of the COL4A4 protein (p.Glu919Gly). The glutamic acid residue is moderately conserved and there is a moderate physicochemical difference between glutamic acid and glycine. This variant is present in population databases (rs753208968, ExAC 0.009%). This missense change has been observed in individual(s) with Alport syndrome (PMID: 29854973). ClinVar contains an entry for this variant (Variation ID: 599099). In summary, the available evidence is currently insufficient to determine the role of this variant in disease. Therefore, it has been classified as a Variant of Uncertain Significance.

Bioscientia Institut fuer Medizinische Diagnostik GmbH, Sonic Healthcare
Classification: Uncertain significance for Autosomal dominant Alport syndrome. Last evaluated: 2018-03-27. Review status: no assertion criteria provided. Collection method: clinical testing. Allele origin: germline. Affected: yes. Not counted in ClinVar's aggregate classification.

Literature cited by the submitters: PubMed 29854973 (cited by Labcorp Genetics (formerly Invitae), Labcorp).

NM_000092.5(COL4A4):c.2756A>G (p.Glu919Gly)

Gene: COL4A4 (collagen type IV alpha 4 chain; minus strand). Cytogenetic location: 2q36.3.
Variant type: single nucleotide variant.
Coding change: c.2756A>G on transcript NM_000092.5 (MANE Select); coding-DNA position 2756, A replaced by G.
Protein change: p.Glu919Gly; replaces glutamic acid 919 with glycine.
Molecular consequence: missense variant.
Genome position (GRCh38, 1-based): chr2:227,054,698, T>C on the plus strand (A>G on the coding strand, the complement: COL4A4 is on the minus strand). VCF-style: chr2-227054698-T-C. GRCh37 (hg19) VCF-style: chr2-227919414-T-C.
Other names: short protein forms E919G.
Identifiers: ClinVar variation 599099 (VCV000599099.7), dbSNP rs753208968, ClinGen allele CA2144721.